The following is an entry in ClinVar:

ClinVar aggregate classification (germline): Uncertain significance (1 of 4 stars; one submission).

Conditions:
Hereditary nonpolyposis colorectal neoplasms. Identifiers: MedGen C0009405, MeSH D003123.

Submission:

Labcorp Genetics (formerly Invitae), Labcorp
Classification: Uncertain significance for Hereditary nonpolyposis colorectal neoplasms. Last evaluated: 2025-04-02. Review status: criteria provided, single submitter. Criteria: Invitae Variant Classification Sherloc (09022015). Collection method: clinical testing. Allele origin: germline.
Comment: This sequence change replaces lysine, which is basic and polar, with asparagine, which is neutral and polar, at codon 1126 of the MSH6 protein (p.Lys1126Asn). This variant is not present in population databases (gnomAD no frequency). This variant has not been reported in the literature in individuals affected with MSH6-related conditions. Invitae Evidence Modeling of protein sequence and biophysical properties (such as structural, functional, and spatial information, amino acid conservation, physicochemical variation, residue mobility, and thermodynamic stability) indicates that this missense variant is not expected to disrupt MSH6 protein function with a negative predictive value of 95%. In summary, the available evidence is currently insufficient to determine the role of this variant in disease. Therefore, it has been classified as a Variant of Uncertain Significance.

NM_000179.3(MSH6):c.3378A>C (p.Lys1126Asn)

Gene: MSH6 (mutS homolog 6; plus strand). Cytogenetic location: 2p16.3.
Variant type: single nucleotide variant.
Coding change: c.3378A>C on transcript NM_000179.3 (MANE Select); coding-DNA position 3378, A replaced by C.
Protein change: p.Lys1126Asn; replaces lysine 1126 with asparagine.
Molecular consequence: missense variant. On other transcripts: non-coding transcript variant (5).
Genome position (GRCh38, 1-based): chr2:47,803,625, A>C. VCF-style: chr2-47803625-A-C. GRCh37 (hg19) VCF-style: chr2-48030764-A-C.
Other names: c.2988A>C, p.Lys996Asn (NM_001281492.2); c.2472A>C, p.Lys824Asn (NM_001281493.2, NM_001281494.2, NM_001406811.1 and 6 more transcripts); c.3474A>C, p.Lys1158Asn (NM_001406795.1, NM_001406802.1); c.3378A>C, p.Lys1126Asn (NM_001406796.1, NM_001406800.1, NM_001406808.1 and 1 more transcripts); c.3081A>C, p.Lys1027Asn (NM_001406797.1, NM_001406801.1, NM_001406805.1 and 10 more transcripts); c.3204A>C, p.Lys1068Asn (NM_001406798.1); c.2853A>C, p.Lys951Asn (NM_001406799.1, NM_001406806.1, NM_001406807.1); c.2514A>C, p.Lys838Asn (NM_001406803.1); and 7 more; short protein forms K1027N, K1068N, K1070N, K1100N, K1126N, K1128N, K1158N, K441N.
Identifiers: ClinVar variation 4800226 (VCV004800226.1).